The following is an entry in ClinVar:

NM_025144.4(ALPK1):c.3026G>A (p.Arg1009Gln)

Gene: ALPK1 (alpha kinase 1; plus strand). Cytogenetic location: 4q25.
Variant type: single nucleotide variant.
Coding change: c.3026G>A on transcript NM_025144.4 (MANE Select); coding-DNA position 3026, G replaced by A.
Protein change: p.Arg1009Gln; replaces arginine 1009 with glutamine.
Molecular consequence: missense variant.
Genome position (GRCh38, 1-based): chr4:112,432,573, G>A. VCF-style: chr4-112432573-G-A. GRCh37 (hg19) VCF-style: chr4-113353729-G-A.
Other names: c.3026G>A, p.Arg1009Gln (NM_001102406.2); c.2792G>A, p.Arg931Gln (NM_001253884.2); short protein forms R1009Q, R931Q.
Identifiers: ClinVar variation 2596998 (VCV002596998.6), dbSNP rs141398762, ClinGen allele CA3047045.
Genomic context (GRCh38, chr4:112,432,573, plus strand): 5'-ATGATTGGCTGTTTCAGAGACTAGAGAATACGGGGGTTTTTAAGCCCAGTCAACTCCACC[G>A]AGCACATAGTAAGTACAATCTTTTCAATAGTTCCCCCCTCAGGAAGCAGCTGTGTTGGGG-3'
Protein context (NP_079420.3, residues 999-1019): TGVFKPSQLH[Arg1009Gln]AHSALLLKYS

ClinVar aggregate classification (germline): Conflicting classifications of pathogenicity. Review status: criteria provided, conflicting classifications (1 of 4 stars). 3 submissions from 3 submitters: Uncertain significance (1); Likely benign (2). Last evaluated 2026-05-12.

Conditions:
Inborn genetic diseases. Identifiers: MedGen C0950123, MeSH D030342.

Allele frequency attached by ClinVar (database versions not stated): ESP Exome Variant Server 0.00008; gnomAD exomes 0.00011; gnomAD 0.00006; TOPMed 0.00008; ExAC 0.00010.
gnomAD v4.1: 170 of 1,611,502 alleles (0.011%); highest among the groups gnomAD compares: Non-Finnish European, 0.012%; no homozygotes.

Submissions (3):

Women's Health and Genetics/Laboratory Corporation of America, LabCorp
Classification: Likely benign. Last evaluated: 2026-05-12. Review status: criteria provided, single submitter. Criteria: LabCorp Variant Classification Summary - May 2015. Collection method: clinical testing. Allele origin: germline.
Comment: Variant summary: ALPK1 c.3026G>A (p.Arg1009Gln) results in a conservative amino acid change in the encoded protein sequence. Algorithms developed to predict the effect of missense changes on protein structure and function all suggest that this variant is likely to be tolerated. The variant allele was found at a frequency of 0.0001 in 246340 control chromosomes. The observed variant frequency exceeds the estimated maximal expected allele frequency for disease-causing variants in ALPK1. To our knowledge, no occurrence of c.3026G>A in individuals affected with ALPK1-related conditions and no experimental evidence demonstrating its impact on protein function have been reported. ClinVar contains an entry for this variant (Variation ID: 2596998). Based on the evidence outlined above, the variant was classified as likely benign.

Labcorp Genetics (formerly Invitae), Labcorp
Classification: Uncertain significance. Last evaluated: 2025-10-26. Review status: criteria provided, single submitter. Criteria: Invitae Variant Classification Sherloc (09022015). Collection method: clinical testing. Allele origin: germline.
Comment: This sequence change replaces arginine, which is basic and polar, with glutamine, which is neutral and polar, at codon 1009 of the ALPK1 protein (p.Arg1009Gln). This variant is present in population databases (rs141398762, gnomAD 0.02%). This variant has not been reported in the literature in individuals affected with ALPK1-related conditions. ClinVar contains an entry for this variant (Variation ID: 2596998). Invitae Evidence Modeling of protein sequence and biophysical properties (such as structural, functional, and spatial information, amino acid conservation, physicochemical variation, residue mobility, and thermodynamic stability) indicates that this missense variant is not expected to disrupt ALPK1 protein function with a negative predictive value of 80%. In summary, the available evidence is currently insufficient to determine the role of this variant in disease. Therefore, it has been classified as a Variant of Uncertain Significance.

Ambry Genetics
Classification: Likely benign for Inborn genetic diseases. Last evaluated: 2023-08-08. Review status: criteria provided, single submitter. Criteria: Ambry Variant Classification Scheme 2023. Collection method: clinical testing. Allele origin: germline.